The following is an entry in ClinVar:

NM_002693.3(POLG):c.3316G>A (p.Val1106Ile)

Gene: POLG (DNA polymerase gamma, catalytic subunit; minus strand). Cytogenetic location: 15q26.1.
Variant type: single nucleotide variant.
Coding change: c.3316G>A on transcript NM_002693.3 (MANE Select); coding-DNA position 3316, G replaced by A.
Protein change: p.Val1106Ile; replaces valine 1106 with isoleucine.
Molecular consequence: missense variant.
Genome position (GRCh38, 1-based): chr15:89,318,707, C>T on the plus strand (G>A on the coding strand, the complement: POLG is on the minus strand). VCF-style: chr15-89318707-C-T. GRCh37 (hg19) VCF-style: chr15-89861938-C-T.
Other names: c.3316G>A, p.Val1106Ile (NM_001126131.2); short protein forms V1106I.
Identifiers: ClinVar variation 2736247 (VCV002736247.4), dbSNP rs1567185212, ClinGen allele CA393750052.
Genomic context (GRCh38, chr15:89,318,707, plus strand): 5'-CTATGGCAAACTCTTCAAACAGCCACTTCATGGCCACAAGCATGAGGTGTAAGTAGTCAA[C>T]AGCAGAGCTCTGTACCACCCAATTCACACGGCTGGTCATAAACTGGGAAGGGAAGGTGGG-3'
Protein context (NP_002684.1, residues 1096-1116): RVNWVVQSSA[Val1106Ile]DYLHLMLVAM

ClinVar aggregate classification (germline): Conflicting classifications of pathogenicity. Review status: criteria provided, conflicting classifications (1 of 4 stars). 2 submissions from 2 submitters: Pathogenic (1); Uncertain significance (1). Last evaluated 2025-10-30.

Conditions:
Progressive sclerosing poliodystrophy (MTDPS4A). Also called: ALPERS PROGRESSIVE INFANTILE POLIODYSTROPHY; NEURONAL DEGENERATION OF CHILDHOOD WITH LIVER DISEASE, PROGRESSIVE; Alpers Syndrome; ALPERS DIFFUSE DEGENERATION OF CEREBRAL GRAY MATTER WITH HEPATIC CIRRHOSIS; Alpers-Huttenlocher Syndrome; Mitochondrial DNA depletion syndrome 4A (Alpers type). Identifiers: Orphanet 726, MedGen C0205710, MONDO:0008758, OMIM 203700.

Submissions (2):

Women's Health and Genetics/Laboratory Corporation of America, LabCorp
Classification: Uncertain significance. Last evaluated: 2025-10-30. Review status: criteria provided, single submitter. Criteria: LabCorp Variant Classification Summary - May 2015. Collection method: clinical testing. Allele origin: germline.
Comment: Variant summary: POLG c.3316G>A (p.Val1106Ile) results in a conservative amino acid change in the encoded protein sequence. Algorithms developed to predict the effect of missense changes on protein structure and function are either unavailable or do not agree on the potential impact of this missense change. The variant was absent in 251440 control chromosomes. c.3316G>A has been observed in individual(s) affected with autosomal recessive progressive external ophthalmoplegia (example: Lamantea_2004, and Horvath_2006). A different variant affecting the same codon has been classified as likely pathogenic by our lab (c.3317T>C, p.Val1106Ala), supporting the critical relevance of codon 1106 to POLG protein function. To our knowledge, no experimental evidence demonstrating an impact on protein function has been reported. The following publications have been ascertained in the context of this evaluation (PMID: 15349879, 16621917). ClinVar contains an entry for this variant (Variation ID: 2736247). Based on the evidence outlined above, the variant was classified as VUS-possibly pathogenic.

Labcorp Genetics (formerly Invitae), Labcorp
Classification: Pathogenic for Progressive sclerosing poliodystrophy. Last evaluated: 2024-03-23. Review status: criteria provided, single submitter. Criteria: Invitae Variant Classification Sherloc (09022015). Collection method: clinical testing. Allele origin: germline.
Comment: This sequence change replaces valine, which is neutral and non-polar, with isoleucine, which is neutral and non-polar, at codon 1106 of the POLG protein (p.Val1106Ile). This variant is not present in population databases (gnomAD no frequency). This missense change has been observed in individual(s) with autosomal recessive progressive external ophthalmoplegia (PMID: 15349879). In at least one individual the data is consistent with being in trans (on the opposite chromosome) from a pathogenic variant. Advanced modeling of protein sequence and biophysical properties (such as structural, functional, and spatial information, amino acid conservation, physicochemical variation, residue mobility, and thermodynamic stability) performed at Invitae indicates that this missense variant is expected to disrupt POLG protein function with a positive predictive value of 95%. This variant disrupts the p.Val1106 amino acid residue in POLG. Other variant(s) that disrupt this residue have been determined to be pathogenic (PMID: 26077851, 33469851). This suggests that this residue is clinically significant, and that variants that disrupt this residue are likely to be disease-causing. For these reasons, this variant has been classified as Pathogenic.

Literature cited by the submitters: PubMed 15349879 (cited by Women's Health and Genetics/Laboratory Corporation of America, LabCorp and Labcorp Genetics (formerly Invitae), Labcorp); PubMed 16621917 (cited by Women's Health and Genetics/Laboratory Corporation of America, LabCorp); PubMed 26077851 (cited by Labcorp Genetics (formerly Invitae), Labcorp); PubMed 33469851 (cited by Labcorp Genetics (formerly Invitae), Labcorp).